The following is an entry in ClinVar:

ClinVar aggregate classification (germline): Uncertain significance (1 of 4 stars; one submission).

Conditions:
Early-infantile DEE. Also called: Early infantile epileptic encephalopathy; Ohtahara syndrome; Early infantile epileptic encephalopathy with suppression bursts. Identifiers: Orphanet 1934, MedGen C0393706, MONDO:0800491.

Allele frequency attached by ClinVar (database versions not stated): gnomAD exomes below 0.00001; TOPMed below 0.00001.

Submission:

Labcorp Genetics (formerly Invitae), Labcorp
Classification: Uncertain significance for Early-infantile DEE. Last evaluated: 2023-10-09. Review status: criteria provided, single submitter. Criteria: Invitae Variant Classification Sherloc (09022015). Collection method: clinical testing. Allele origin: germline.
Comment: This sequence change replaces proline, which is neutral and non-polar, with leucine, which is neutral and non-polar, at codon 391 of the ARHGEF15 protein (p.Pro391Leu). This variant is not present in population databases (gnomAD no frequency). This variant has not been reported in the literature in individuals affected with ARHGEF15-related conditions. ClinVar contains an entry for this variant (Variation ID: 1966866). An algorithm developed to predict the effect of missense changes on protein structure and function (PolyPhen-2) suggests that this variant is likely to be disruptive. In summary, the available evidence is currently insufficient to determine the role of this variant in disease. Therefore, it has been classified as a Variant of Uncertain Significance.

NM_173728.4(ARHGEF15):c.1172C>T (p.Pro391Leu)

Gene: ARHGEF15 (Rho guanine nucleotide exchange factor 15; plus strand). Cytogenetic location: 17p13.1.
Variant type: single nucleotide variant.
Coding change: c.1172C>T on transcript NM_173728.4 (MANE Select); coding-DNA position 1172, C replaced by T.
Protein change: p.Pro391Leu; replaces proline 391 with leucine.
Molecular consequence: missense variant.
Genome position (GRCh38, 1-based): chr17:8,315,189, C>T. VCF-style: chr17-8315189-C-T. GRCh37 (hg19) VCF-style: chr17-8218507-C-T.
Other names: c.1172C>T, p.Pro391Leu (NM_025014.2); short protein forms P391L.
Identifiers: ClinVar variation 1966866 (VCV001966866.5), dbSNP rs1678536237, ClinGen allele CA398019377.
Genomic context (GRCh38, chr17:8,315,189, plus strand): 5'-ATGGGAGTCCTTCTCCAGCAAATGCTGGAGATGCACCCACCTTCCCACGACCCCCTGGAC[C>T]TCGCAACACCCTGTGGCAGGAGCTTCCGGCTGTGCAAGCCAGCGGTCTTCTGGATACCCT-3'
Protein context (NP_776089.2, residues 381-401): DAPTFPRPPG[Pro391Leu]RNTLWQELPA